The following is an entry in ClinVar:

ClinVar aggregate classification (germline): Likely benign (1 of 4 stars; one submission).

Conditions:
Polyps, multiple and recurrent inflammatory fibroid, gastrointestinal. Identifiers: MedGen C5193005, MONDO:0008285, OMIM 175510.

Submission:

Myriad Genetics, Inc.
Classification: Likely benign for Polyps, multiple and recurrent inflammatory fibroid, gastrointestinal. Last evaluated: 2026-06-15. Review status: criteria provided, single submitter. Criteria: Myriad Autosomal Dominant, Autosomal Recessive and X-Linked Classification Criteria (2023). Collection method: clinical testing. Allele origin: unknown.
Comment: This variant is considered likely benign. This variant is intronic and is not expected to impact mRNA splicing.

NM_006206.6(PDGFRA):c.2003-9del

Gene: PDGFRA (platelet derived growth factor receptor alpha; plus strand). Cytogenetic location: 4q12.
Variant type: Deletion.
Coding change: c.2003-9del on transcript NM_006206.6 (MANE Select); 9 bases into the intron before coding-DNA position 2003, one base deleted (T; older notation c.2003-9delT).
Molecular consequence: intron variant.
Genome position (GRCh38, 1-based): chr4:54,278,353, T deleted. VCF-style (leftmost placement, unchanged base first): chr4-54278352-GT-G. GRCh37 (hg19) VCF-style: chr4-55144519-GT-G.
Other names: c.2078-9del (NM_001347828.2); c.2003-9del (NM_001347827.2, NM_001347829.2); c.2042-9del (NM_001347830.2).
Identifiers: ClinVar variation 4876054 (VCV004876054.1).